The following is an entry in ClinVar:

ClinVar aggregate classification (germline): Conflicting classifications of pathogenicity. Review status: criteria provided, conflicting classifications (1 of 4 stars). 3 submissions from 3 submitters: Uncertain significance (2); Benign (1). Last evaluated 2025-11-15.

Conditions:
Inborn genetic diseases. Identifiers: MedGen C0950123, MeSH D030342.

Allele frequency attached by ClinVar (database versions not stated): gnomAD 0.00001; gnomAD exomes 0.00001 and 0.00005; TOPMed 0.00001; ExAC 0.00005.
gnomAD v4.1: 18 of 1,613,808 alleles (0.0011%); highest among the groups gnomAD compares: East Asian, 0.036%; no homozygotes.

Submissions (3):

Labcorp Genetics (formerly Invitae), Labcorp
Classification: Uncertain significance. Last evaluated: 2025-11-15. Review status: criteria provided, single submitter. Criteria: Invitae Variant Classification Sherloc (09022015). Collection method: clinical testing. Allele origin: germline.
Comment: This sequence change replaces asparagine, which is neutral and polar, with lysine, which is basic and polar, at codon 2496 of the VCAN protein (p.Asn2496Lys). This variant is present in population databases (rs763749021, gnomAD 0.06%). This variant has not been reported in the literature in individuals affected with VCAN-related conditions. ClinVar contains an entry for this variant (Variation ID: 966165). An algorithm developed to predict the effect of missense changes on protein structure and function outputs the following: PolyPhen-2: "Benign". The lysine amino acid residue is found in multiple mammalian species, which suggests that this missense change does not adversely affect protein function. In summary, the available evidence is currently insufficient to determine the role of this variant in disease. Therefore, it has been classified as a Variant of Uncertain Significance.

Ambry Genetics
Classification: Uncertain significance for Inborn genetic diseases. Last evaluated: 2025-03-17. Review status: criteria provided, single submitter. Criteria: Ambry Variant Classification Scheme 2023. Collection method: clinical testing. Allele origin: germline.

Blueprint Genetics
Classification: Benign. Last evaluated: 2024-05-03. Review status: criteria provided, single submitter. Criteria: ACMG Guidelines, 2015. Collection method: clinical testing. Allele origin: germline.

NM_004385.5(VCAN):c.7488C>G (p.Asn2496Lys)

Genes: VCAN (versican; plus strand), VCAN-AS1 (VCAN antisense RNA 1; minus strand). Cytogenetic location: 5q14.3.
Variant type: single nucleotide variant.
Coding change: c.7488C>G on transcript NM_004385.5 (MANE Select); coding-DNA position 7488, C replaced by G.
Protein change: p.Asn2496Lys; replaces asparagine 2496 with lysine.
Molecular consequence: missense variant. On other transcripts: intron variant (2).
Genome position (GRCh38, 1-based): chr5:83,540,491, C>G. VCF-style: chr5-83540491-C-G. GRCh37 (hg19) VCF-style: chr5-82836310-C-G.
Other names: c.4527C>G, p.Asn1509Lys (NM_001164097.2); c.4004-5046C>G (NM_001164098.2); c.1043-5046C>G (NM_001126336.3); short protein forms N1509K, N2496K.
Identifiers: ClinVar variation 966165 (VCV000966165.11), dbSNP rs763749021, ClinGen allele CA3333645.